The following is an entry in ClinVar:

NM_182706.5(SCRIB):c.3129G>A (p.Pro1043=)

Gene: SCRIB (scribble planar cell polarity protein; minus strand). Cytogenetic location: 8q24.3.
Variant type: single nucleotide variant.
Coding change: c.3129G>A on transcript NM_182706.5 (MANE Select); coding-DNA position 3129, G replaced by A.
Protein change: p.Pro1043=; no amino-acid change (proline 1043 retained).
Molecular consequence: synonymous variant.
Genome position (GRCh38, 1-based): chr8:143,803,932, C>T on the plus strand (G>A on the coding strand, the complement: SCRIB is on the minus strand). VCF-style: chr8-143803932-C-T. GRCh37 (hg19) VCF-style: chr8-144886102-C-T.
Other names: c.3129G>A, p.Pro1043= (NM_015356.5).
Identifiers: ClinVar variation 2658913 (VCV002658913.24), dbSNP rs782560000, ClinGen allele CA4918816.

ClinVar aggregate classification (germline): Likely benign (1 of 4 stars; one submission).

Allele frequency attached by ClinVar (database versions not stated): TOPMed 0.00001.
gnomAD v4.1: 38 of 1,580,860 alleles (0.0024%); highest among the groups gnomAD compares: Middle Eastern, 0.017%; 1 homozygote.

Submission:

CeGaT Center for Human Genetics Tuebingen
Classification: Likely benign. Last evaluated: 2023-01-01. Review status: criteria provided, single submitter. Criteria: CeGaT Center For Human Genetics Tuebingen Variant Classification Criteria Version 2. Collection method: clinical testing. Allele origin: germline. Affected: yes. Observed: 1 variant allele.
Comment: SCRIB: BP4, BP7